The following is an entry in ClinVar:

NM_001457.4(FLNB):c.787+236del

Gene: FLNB (filamin B; plus strand). Cytogenetic location: 3p14.3.
Variant type: Deletion.
Coding change: c.787+236del on transcript NM_001457.4 (MANE Select); 236 bases into the intron after coding-DNA position 787, one base deleted (T; older notation c.787+236delT).
Molecular consequence: intron variant.
Genome position (GRCh38, 1-based): chr3:58,082,012, T deleted; the last of 4 consecutive T bases (chr3:58,082,009-58,082,012); deleting any one gives the same sequence. VCF-style (leftmost placement, unchanged base first): chr3-58082008-AT-A. GRCh37 (hg19) VCF-style: chr3-58067735-AT-A.
Other names: c.787+236del (NM_001164317.2, NM_001164318.2, NM_001164319.2).
Identifiers: ClinVar variation 671377 (VCV000671377.1), dbSNP rs547963189, ClinGen allele CA75430224.

ClinVar aggregate classification (germline): Likely benign (1 of 4 stars; one submission).

Submission:

GeneDx
Classification: Likely benign. Last evaluated: 2018-06-17. Review status: criteria provided, single submitter. Criteria: GeneDx Variant Classification (06012015). Collection method: clinical testing. Allele origin: germline. Affected: yes.
Comment: This variant is considered likely benign or benign based on one or more of the following criteria: it is a conservative change, it occurs at a poorly conserved position in the protein, it is predicted to be benign by multiple in silico algorithms, and/or has population frequency not consistent with disease.